The following is an entry in ClinVar:

ClinVar aggregate classification (germline): Uncertain significance/VUS-high. Review status: criteria provided, multiple submitters, no conflicts (2 of 4 stars). 2 submissions from 2 submitters: Uncertain significance (1); VUS-high (1). Last evaluated 2026-02-06.

Conditions:
Autosomal recessive titinopathy. Identifiers: MedGen CN315649, MONDO:0100493.

Submissions (2):

Myofin, Folkhalsan Research Center
Classification: VUS-high for Autosomal recessive titinopathy. Last evaluated: 2026-02-06. Review status: criteria provided, single submitter. Criteria: ACMG Guidelines, 2015. Collection method: research. Allele origin: germline. Affected: yes.
Comment: The variant is rare in population databases (not found in gnomAD; no/very few homozygotes reported) and has a high deleterious computational prediction (AlphaMissense 0.9990). Given limited case-level evidence and lack of robust variant-level functional/replication data , we classify this variant as Uncertain significance (VUS-high) for recessive titinopathy.

Laboratory for Molecular Medicine, Mass General Brigham Personalized Medicine
Classification: Uncertain significance. Last evaluated: 2020-12-21. Review status: criteria provided, single submitter. Criteria: LMM Criteria. Collection method: clinical testing. Allele origin: germline. Observed: 2 variant alleles.
Comment: The p.Trp25607Arg variant in TTN has been reported in 2 individuals with dilated cardiomyopathy (DCM), including 1 individual with infantile onset DCM (left ventricular dilation) with a potentially disease-causing variant in the same gene (Mazzarotto 2020 PMID: 31983221, Pugh 2014 PMID:24503780). It is absent from large population studies. Computational prediction tools and conservation analyses do not provide strong support for or against an impact to the protein. In summary, the clinical significance of this variant is uncertain. ACMG/AMP Criteria applied: PM2_supporting, PS4_Supporting.

Literature cited by the submitters: DOI 10.1101/2025.07.17.25331144 (cited by Myofin, Folkhalsan Research Center); PubMed 24503780 (cited by Laboratory for Molecular Medicine, Mass General Brigham Personalized Medicine); PubMed 31983221 (cited by Laboratory for Molecular Medicine, Mass General Brigham Personalized Medicine).

NM_001267550.2(TTN):c.84523T>C (p.Trp28175Arg)

Genes: TTN (titin; minus strand), TTN-AS1 (TTN antisense RNA 1; plus strand). Cytogenetic location: 2q31.2.
Variant type: single nucleotide variant.
Coding change: c.84523T>C on transcript NM_001267550.2 (MANE Select); coding-DNA position 84523, T replaced by C.
Protein change: p.Trp28175Arg; replaces tryptophan 28175 with arginine.
Molecular consequence: missense variant.
Genome position (GRCh38, 1-based): chr2:178,561,609, A>G on the plus strand (T>C on the coding strand, the complement: TTN is on the minus strand). VCF-style: chr2-178561609-A-G. GRCh37 (hg19) VCF-style: chr2-179426336-A-G.
Other names: c.79600T>C, p.Trp26534Arg (NM_001256850.1); c.57328T>C, p.Trp19110Arg (NM_003319.4); c.57703T>C, p.Trp19235Arg (NM_133432.3); c.57904T>C, p.Trp19302Arg (NM_133437.4); c.76819T>C, p.Trp25607Arg (NM_133378.4); short protein forms W28175R, W25607R, W19110R, W19302R, W19235R, W26534R.
Identifiers: ClinVar variation 47438 (VCV000047438.7), dbSNP rs397517728, ClinGen allele CA140997.